The following is an entry in ClinVar:

ClinVar aggregate classification (germline): Uncertain significance. Review status: criteria provided, multiple submitters, no conflicts (2 of 4 stars). 3 submissions from 3 submitters: Uncertain significance (2). 1 of the submissions does not count toward it. Last evaluated 2022-04-28.

Conditions:
Hermansky-Pudlak syndrome 1 (HPS1). Also called: DELTA STORAGE POOL DISEASE. Identifiers: Orphanet 231500, Orphanet 79430, MedGen C2931875, MONDO:0008748, OMIM 203300.

Allele frequency attached by ClinVar (database versions not stated): gnomAD exomes below 0.00001.
gnomAD v4.1: 4 of 1,613,726 alleles (0.00025%); highest among the groups gnomAD compares: Non-Finnish European, 0.00034%; no homozygotes.

Submissions (3):

Labcorp Genetics (formerly Invitae), Labcorp
Classification: Uncertain significance. Last evaluated: 2022-04-28. Review status: criteria provided, single submitter. Criteria: Invitae Variant Classification Sherloc (09022015). Collection method: clinical testing. Allele origin: germline.
Comment: This sequence change replaces serine, which is neutral and polar, with proline, which is neutral and non-polar, at codon 673 of the HPS1 protein (p.Ser673Pro). This variant is not present in population databases (gnomAD no frequency). This variant has not been reported in the literature in individuals affected with HPS1-related conditions. ClinVar contains an entry for this variant (Variation ID: 1049595). Algorithms developed to predict the effect of missense changes on protein structure and function are either unavailable or do not agree on the potential impact of this missense change (SIFT: "Tolerated"; PolyPhen-2: "Probably Damaging"; Align-GVGD: "Class C0"). In summary, the available evidence is currently insufficient to determine the role of this variant in disease. Therefore, it has been classified as a Variant of Uncertain Significance.

Fulgent Genetics
Classification: Uncertain significance for Hermansky-Pudlak syndrome 1. Last evaluated: 2021-11-18. Review status: criteria provided, single submitter. Criteria: ACMG Guidelines, 2015. Collection method: clinical testing. Allele origin: unknown.

Department of Pathology and Laboratory Medicine, Sinai Health System
Classification: Uncertain significance. Review status: no assertion criteria provided. Collection method: clinical testing. Allele origin: unknown. Affected: yes. Study: The Canadian Open Genetics Repository (COGR). Not counted in ClinVar's aggregate classification.
Comment: The HPS1 p.Ser673Pro variant was not identified in the literature nor was it identified in dbSNP, ClinVar, Cosmic, and LOVD 3.0. The variant was not identified in the following control databases: the 1000 Genomes Project, the NHLBI GO Exome Sequencing Project, the Exome Aggregation Consortium (August 8th 2016), or the Genome Aggregation Database (Feb 27, 2017). The variant occurs outside of the splicing consensus sequence and in silico or computational prediction software programs (SpliceSiteFinder, MaxEntScan, NNSPLICE, and GeneSplicer) do not predict a difference in splicing. The p.Ser673 residue is not conserved in mammals and computational analyses (PolyPhen-2, SIFT, AlignGVGD, BLOSUM, and MutationTaster) provide inconsistent predictions regarding the impact to the protein; this information is not very predictive of pathogenicity. In summary, based on the above information the clinical significance of this variant cannot be determined with certainty at this time. This variant is classified as a variant of uncertain significance.

NM_000195.5(HPS1):c.2017T>C (p.Ser673Pro)

Gene: HPS1 (HPS1 biogenesis of lysosomal organelles complex 3 subunit 1; minus strand). Cytogenetic location: 10q24.2.
Variant type: single nucleotide variant.
Coding change: c.2017T>C on transcript NM_000195.5 (MANE Select); coding-DNA position 2017, T replaced by C.
Protein change: p.Ser673Pro; replaces serine 673 with proline.
Molecular consequence: missense variant.
Genome position (GRCh38, 1-based): chr10:98,417,650, A>G on the plus strand (T>C on the coding strand, the complement: HPS1 is on the minus strand). VCF-style: chr10-98417650-A-G. GRCh37 (hg19) VCF-style: chr10-100177407-A-G.
Other names: c.1045T>C, p.Ser349Pro (NM_001311345.2, NM_001322487.2, NM_001322489.2); c.2017T>C, p.Ser673Pro (NM_001322476.2, NM_001322477.2); c.1918T>C, p.Ser640Pro (NM_001322478.2, NM_001322479.2); c.1756T>C, p.Ser586Pro (NM_001322480.2, NM_001322481.2); c.1657T>C, p.Ser553Pro (NM_001322482.2); c.1648T>C, p.Ser550Pro (NM_001322483.2, NM_001322484.2); c.1549T>C, p.Ser517Pro (NM_001322485.2); short protein forms S349P, S517P, S550P, S553P, S586P, S640P, S673P.
Identifiers: ClinVar variation 1049595 (VCV001049595.4), dbSNP rs1844268357, ClinGen allele CA378042193.